The following is an entry in ClinVar:

NM_173630.4(RTTN):c.4081C>T (p.His1361Tyr)

Gene: RTTN (rotatin; minus strand). Cytogenetic location: 18q22.2.
Variant type: single nucleotide variant.
Coding change: c.4081C>T on transcript NM_173630.4 (MANE Select); coding-DNA position 4081, C replaced by T.
Protein change: p.His1361Tyr; replaces histidine 1361 with tyrosine.
Molecular consequence: missense variant.
Genome position (GRCh38, 1-based): chr18:70,092,172, G>A on the plus strand (C>T on the coding strand, the complement: RTTN is on the minus strand). VCF-style: chr18-70092172-G-A. GRCh37 (hg19) VCF-style: chr18-67759408-G-A.
Other names: c.1345C>T, p.His449Tyr (NM_001318520.2); short protein forms H1361Y, H449Y.
Identifiers: ClinVar variation 1895916 (VCV001895916.3), dbSNP rs1323521128, ClinGen allele CA402685548.
Genomic context (GRCh38, chr18:70,092,172, plus strand): 5'-CTGGGTCCCGATCAACCCATAATGGAATCAACCAAGCCAATCCTTGTTGAGTAGGAATAT[G>A]TTCTTCACTATGACTACCCAAAGGCAAGAACCAAAGTGACATCCACTCCTAGAGGGAAAA-3'
Protein context (NP_775901.3, residues 1351-1371): FLPLGSHSEE[His1361Tyr]IPTQQGLAWL

ClinVar aggregate classification (germline): Uncertain significance (1 of 4 stars; one submission).

Allele frequency attached by ClinVar (database versions not stated): gnomAD exomes below 0.00001; gnomAD 0.00001.
gnomAD v4.1: 6 of 1,613,384 alleles (0.00037%); highest among the groups gnomAD compares: African/African-American, 0.0013%; no homozygotes.

Submission:

Labcorp Genetics (formerly Invitae), Labcorp
Classification: Uncertain significance. Last evaluated: 2022-07-26. Review status: criteria provided, single submitter. Criteria: Invitae Variant Classification Sherloc (09022015). Collection method: clinical testing. Allele origin: germline.
Comment: This variant has not been reported in the literature in individuals affected with RTTN-related conditions. This variant is present in population databases (no rsID available, gnomAD 0.0009%). This sequence change replaces histidine, which is basic and polar, with tyrosine, which is neutral and polar, at codon 1361 of the RTTN protein (p.His1361Tyr). Algorithms developed to predict the effect of missense changes on protein structure and function are either unavailable or do not agree on the potential impact of this missense change (SIFT: "Deleterious"; PolyPhen-2: "Benign"; Align-GVGD: "Class C0"). In summary, the available evidence is currently insufficient to determine the role of this variant in disease. Therefore, it has been classified as a Variant of Uncertain Significance.